The following is an entry in ClinVar:

ClinVar aggregate classification (germline): Uncertain significance (1 of 4 stars; one submission).

Conditions:
Familial thoracic aortic aneurysm and aortic dissection (TAAD). Also called: Thoracic aortic aneurysms and dissections. Identifiers: Orphanet 91387, MedGen C4707243, MONDO:0019625.

Submission:

All of Us Research Program, National Institutes of Health
Classification: Uncertain significance for Familial thoracic aortic aneurysm and aortic dissection. Last evaluated: 2023-05-16. Review status: criteria provided, single submitter. Criteria: ACMG Guidelines, 2015. Collection method: clinical testing. Allele origin: germline. Inheritance: Autosomal dominant inheritance. Observed: 1 variant allele, 1 heterozygote.
Comment: This missense variant replaces glutamic acid with valine at codon 1630 of the MYH11 protein. Computational prediction suggests that this variant may have deleterious impact on protein structure and function (internally defined REVEL score threshold >= 0.7, PMID: 27666373). To our knowledge, functional studies have not been reported for this variant. This variant has not been reported in individuals affected with MYH11-related disorders in the literature. This variant has not been identified in the general population by the Genome Aggregation Database (gnomAD). The available evidence is insufficient to determine the role of this variant in disease conclusively. Therefore, this variant is classified as a Variant of Uncertain Significance.

This study involves interpretation of variants in research participants for the purpose of population health screening. Participant phenotype was not available at the time of variant classification. Additional details can be found in publication PMID: 35346344, PMCID: PMC8962531

NM_002474.3(MYH11):c.4868A>T (p.Glu1623Val)

Genes: NDE1 (nudE neurodevelopment protein 1; plus strand), MYH11 (myosin heavy chain 11; minus strand). Cytogenetic location: 16p13.11.
Variant type: single nucleotide variant.
Coding change: c.4868A>T on transcript NM_002474.3 (MANE Select); coding-DNA position 4868, A replaced by T.
Protein change: p.Glu1623Val; replaces glutamic acid 1623 with valine.
Molecular consequence: missense variant. On other transcripts: intron variant (2).
Genome position (GRCh38, 1-based): chr16:15,720,236, T>A on the plus strand (A>T on the coding strand, the complement: MYH11 is on the minus strand). VCF-style: chr16-15720236-T-A. GRCh37 (hg19) VCF-style: chr16-15814093-T-A.
Other names: c.4889A>T, p.Glu1630Val (NM_001040113.2, NM_001040114.2); c.4868A>T, p.Glu1623Val (NM_022844.3); c.948-3955T>A (NM_001143979.2, NM_017668.3); short protein forms E1623V, E1630V.
Identifiers: ClinVar variation 3071273 (VCV003071273.1), dbSNP rs2506113585, ClinGen allele CA394852520.